The following is an entry in ClinVar:

NM_001673.5(ASNS):c.1424C>T (p.Thr475Ile)

Genes: ASNS (asparagine synthetase (glutamine-hydrolyzing); minus strand), CZ1P-ASNS (CZ1P-ASNS readthrough; minus strand). Cytogenetic location: 7q21.3.
Variant type: single nucleotide variant.
Coding change: c.1424C>T on transcript NM_001673.5 (MANE Select); coding-DNA position 1424, C replaced by T.
Protein change: p.Thr475Ile; replaces threonine 475 with isoleucine.
Molecular consequence: missense variant. On other transcripts: non-coding transcript variant (1).
Genome position (GRCh38, 1-based): chr7:97,853,112, G>A on the plus strand (C>T on the coding strand, the complement: ASNS is on the minus strand). VCF-style: chr7-97853112-G-A. GRCh37 (hg19) VCF-style: chr7-97482424-G-A.
Other names: c.1361C>T, p.Thr454Ile (NM_001178075.2); c.1175C>T, p.Thr392Ile (NM_001178076.2, NM_001178077.1); c.1424C>T, p.Thr475Ile (NM_001352496.2, NM_133436.3, NM_183356.4); short protein forms T392I, T454I, T475I.
Identifiers: ClinVar variation 3336311 (VCV003336311.4).

ClinVar aggregate classification (germline): Conflicting classifications of pathogenicity. Review status: criteria provided, conflicting classifications (1 of 4 stars). 4 submissions from 4 submitters: Likely pathogenic (1); Uncertain significance (3). Last evaluated 2026-08-04.

Conditions:
Congenital microcephaly - severe encephalopathy - progressive cerebral atrophy syndrome. Also called: Asparagine synthetase deficiency; ASNS DEFICIENCY. Identifiers: Orphanet 391376, MedGen C3809971, MONDO:0014258, OMIM 615574.

gnomAD v4.1: 24 of 1,608,094 alleles (0.0015%); highest among the groups gnomAD compares: East Asian, 0.0022%; no homozygotes.

Submissions (4):

Myriad Genetics, Inc.
Classification: Uncertain significance for Congenital microcephaly - severe encephalopathy - progressive cerebral atrophy syndrome. Last evaluated: 2026-08-04. Review status: criteria provided, single submitter. Criteria: Myriad Autosomal Dominant, Autosomal Recessive and X-Linked Classification Criteria (2023). Collection method: clinical testing. Allele origin: unknown.
Comment: NM_001673.4(ASNS):c.1424C>T(T475I) is a missense variant classified as a variant of uncertain significance in the context of asparagine synthetase deficiency. T475I has been observed in a case with relevant disease (PMID: 32481472). Relevant functional assessments of this variant are not available in the literature. T475I has not been observed in referenced population frequency databases. In summary, there is insufficient evidence to classify NM_001673.4(ASNS):c.1424C>T(T475I) as pathogenic or benign. Please note: this variant was assessed in the context of healthy population screening.

Fulgent Genetics
Classification: Likely pathogenic for Congenital microcephaly - severe encephalopathy - progressive cerebral atrophy syndrome. Last evaluated: 2024-06-11. Review status: criteria provided, single submitter. Criteria: ACMG Guidelines, 2015. Collection method: clinical testing. Allele origin: germline.

Women's Health and Genetics/Laboratory Corporation of America, LabCorp
Classification: Uncertain significance. Last evaluated: 2024-05-29. Review status: criteria provided, single submitter. Criteria: LabCorp Variant Classification Summary - May 2015. Collection method: clinical testing. Allele origin: germline.
Comment: Variant summary: ASNS c.1424C>T (p.Thr475Ile) results in a non-conservative amino acid change located in the asparagine synthase domain (IPR001962) of the encoded protein sequence. Three of five in-silico tools predict a damaging effect of the variant on protein function. The variant was absent in 240828 control chromosomes. c.1424C>T has been reported in the literature in the compound heterozygous state in at least one individual affected with Asparagine Synthetase Deficiency (e.g. Chen_2020). These data do not allow any conclusion about variant significance. To our knowledge, no experimental evidence demonstrating an impact on protein function has been reported. Another missense variant affecting this amino acid (c.1424C>A, p.Thr475Asn) has been determined to be pathogenic, supporting the critical relevance of codon 475 to ASNS protein function. The following publication has been ascertained in the context of this evaluation (PMID: 32481472). No submitters have cited clinical-significance assessments for this variant to ClinVar. Based on the evidence outlined above, the variant was classified as VUS-possibly pathogenic.

GeneDx
Classification: Uncertain significance. Last evaluated: 2023-11-03. Review status: criteria provided, single submitter. Criteria: GeneDx Variant Classification Process June 2021. Collection method: clinical testing. Allele origin: germline. Affected: yes.
Comment: Not observed at significant frequency in large population cohorts (gnomAD); In silico analysis supports that this missense variant does not alter protein structure/function; This variant is associated with the following publications: (PMID: 32481472, 30844524)

Literature cited by the submitters: PubMed 32481472 (cited by Myriad Genetics, Inc. and Women's Health and Genetics/Laboratory Corporation of America, LabCorp).